The following is an entry in ClinVar:

NM_001111.5(ADAR):c.1754C>G (p.Ser585Cys)

Gene: ADAR (adenosine deaminase RNA specific; minus strand). Cytogenetic location: 1q21.3.
Variant type: single nucleotide variant.
Coding change: c.1754C>G on transcript NM_001111.5 (MANE Select); coding-DNA position 1754, C replaced by G.
Protein change: p.Ser585Cys; replaces serine 585 with cysteine.
Molecular consequence: missense variant.
Genome position (GRCh38, 1-based): chr1:154,598,433, G>C on the plus strand (C>G on the coding strand, the complement: ADAR is on the minus strand). VCF-style: chr1-154598433-G-C. GRCh37 (hg19) VCF-style: chr1-154570909-G-C.
Other names: c.869C>G, p.Ser290Cys (NM_001025107.3, NM_001193495.2, NM_001365046.1 and 3 more transcripts); c.1781C>G, p.Ser594Cys (NM_001365045.1); c.1754C>G, p.Ser585Cys (NM_015840.4, NM_015841.4); short protein forms S290C, S585C, S594C.
Identifiers: ClinVar variation 4782485 (VCV004782485.1).

ClinVar aggregate classification (germline): Uncertain significance (1 of 4 stars; one submission).

Conditions:
Aicardi-Goutieres syndrome 6 (AGS6). Identifiers: Orphanet 51, MedGen C3539013, MONDO:0014007, OMIM 615010.
Symmetrical dyschromatosis of extremities (DSH). Also called: Dyschromatosis symmetrica hereditaria; DYSCHROMATOSIS SYMMETRICA HEREDITARIA 1; RETICULATE ACROPIGMENTATION OF DOHI; SYMMETRIC DYSCHROMATOSIS OF THE EXTREMITIES. Identifiers: Orphanet 41, MedGen C0406775, MONDO:0007483, OMIM 127400.

Submission:

Labcorp Genetics (formerly Invitae), Labcorp
Classification: Uncertain significance for Aicardi-Goutieres syndrome 6; Symmetrical dyschromatosis of extremities. Last evaluated: 2025-09-24. Review status: criteria provided, single submitter. Criteria: Invitae Variant Classification Sherloc (09022015). Collection method: clinical testing. Allele origin: germline.
Comment: This sequence change replaces serine, which is neutral and polar, with cysteine, which is neutral and slightly polar, at codon 585 of the ADAR protein (p.Ser585Cys). This variant is not present in population databases (gnomAD no frequency). This variant has not been reported in the literature in individuals affected with ADAR-related conditions. Invitae Evidence Modeling of protein sequence and biophysical properties (such as structural, functional, and spatial information, amino acid conservation, physicochemical variation, residue mobility, and thermodynamic stability) indicates that this missense variant is not expected to disrupt ADAR protein function with a negative predictive value of 80%. In summary, the available evidence is currently insufficient to determine the role of this variant in disease. Therefore, it has been classified as a Variant of Uncertain Significance.